The following is an entry in ClinVar:

NM_012275.3(IL36RN):c.*935G>C

Gene: IL36RN (interleukin 36 receptor antagonist; plus strand). Cytogenetic location: 2q14.1.
Variant type: single nucleotide variant.
Coding change: c.*935G>C on transcript NM_012275.3 (MANE Select); 935 bases downstream of the stop codon, G replaced by C.
Molecular consequence: 3 prime UTR variant.
Genome position (GRCh38, 1-based): chr2:113,063,612, G>C. VCF-style: chr2-113063612-G-C. GRCh37 (hg19) VCF-style: chr2-113821189-G-C.
Other names: c.*935G>C (NM_173170.1).
Identifiers: ClinVar variation 330797 (VCV000330797.5), dbSNP rs11675540, ClinGen allele CA10611025.

ClinVar aggregate classification (germline): Benign (1 of 4 stars; one submission).

Conditions:
Generalized pustular psoriasis. Identifiers: Orphanet 247353, MedGen C0343055, MONDO:0100491.

Allele frequency attached by ClinVar (database versions not stated): TOPMed 0.03104; gnomAD 0.03294 and 0.03533; 1000 Genomes Project 30x 0.03670; 1000 Genomes Project 0.03794.

Submission:

Illumina Laboratory Services, Illumina
Classification: Benign for Acrodermatitis continua suppurativa of Hallopeau. Last evaluated: 2018-01-12. Review status: criteria provided, single submitter. Criteria: ICSL Variant Classification Criteria 13 December 2019. Collection method: clinical testing. Allele origin: germline.
Comment: This variant was observed in the ICSL laboratory as part of a predisposition screen in an ostensibly healthy population. It had not been previously curated by ICSL or reported in the Human Gene Mutation Database (HGMD: prior to June 1st, 2018), and was therefore a candidate for classification through an automated scoring system. Utilizing variant allele frequency, disease prevalence and penetrance estimates, and inheritance mode, an automated score was calculated to assess if this variant is too frequent to cause the disease. Based on the score and internal cut-off values, a variant classified as benign is not then subjected to further curation. The score for this variant resulted in a classification of benign for this disease.